The following is an entry in ClinVar:

ClinVar aggregate classification (germline): Uncertain significance (1 of 4 stars; one submission).

Conditions:
Zellweger spectrum disorders (ZS). Also called: Zellweger Spectrum Disorder; Zellweger Spectrum; Zellweger Spectrum Disorder (ZSD); Zellweger syndrome. Identifiers: Orphanet 912, MedGen C0043459, MONDO:0019609.

Allele frequency attached by ClinVar (database versions not stated): gnomAD exomes below 0.00001; ExAC 0.00001.
gnomAD v4.1: 2 of 1,546,362 alleles (0.00013%); highest among the groups gnomAD compares: South Asian, 0.0013%; no homozygotes.

Submission:

Labcorp Genetics (formerly Invitae), Labcorp
Classification: Uncertain significance for Zellweger spectrum disorders. Last evaluated: 2022-02-14. Review status: criteria provided, single submitter. Criteria: Invitae Variant Classification Sherloc (09022015). Collection method: clinical testing. Allele origin: germline.
Comment: This sequence change replaces lysine, which is basic and polar, with glutamic acid, which is acidic and polar, at codon 211 of the PEX1 protein (p.Lys211Glu). This variant is present in population databases (rs753770227, gnomAD 0.006%). This variant has not been reported in the literature in individuals affected with PEX1-related conditions. Advanced modeling of protein sequence and biophysical properties (such as structural, functional, and spatial information, amino acid conservation, physicochemical variation, residue mobility, and thermodynamic stability) performed at Invitae indicates that this missense variant is not expected to disrupt PEX1 protein function. In summary, the available evidence is currently insufficient to determine the role of this variant in disease. Therefore, it has been classified as a Variant of Uncertain Significance.

NM_000466.3(PEX1):c.631A>G (p.Lys211Glu)

Gene: PEX1 (peroxisomal biogenesis factor 1; minus strand). Cytogenetic location: 7q21.2.
Variant type: single nucleotide variant.
Coding change: c.631A>G on transcript NM_000466.3 (MANE Select); coding-DNA position 631, A replaced by G.
Protein change: p.Lys211Glu; replaces lysine 211 with glutamic acid.
Molecular consequence: missense variant.
Genome position (GRCh38, 1-based): chr7:92,517,884, T>C on the plus strand (A>G on the coding strand, the complement: PEX1 is on the minus strand). VCF-style: chr7-92517884-T-C. GRCh37 (hg19) VCF-style: chr7-92147198-T-C.
Other names: c.7A>G, p.Lys3Glu (NM_001282678.2); c.631A>G, p.Lys211Glu (NM_001282677.2); short protein forms K211E, K3E.
Identifiers: ClinVar variation 2091422 (VCV002091422.4), dbSNP rs753770227, ClinGen allele CA4341566.